The following is an entry in ClinVar:

NM_000350.3(ABCA4):c.5413A>G (p.Asn1805Asp)

Gene: ABCA4 (ATP binding cassette subfamily A member 4; minus strand). Cytogenetic location: 1p22.1.
Variant type: single nucleotide variant.
Coding change: c.5413A>G on transcript NM_000350.3 (MANE Select); coding-DNA position 5413, A replaced by G.
Protein change: p.Asn1805Asp; replaces asparagine 1805 with aspartic acid.
Molecular consequence: missense variant.
Genome position (GRCh38, 1-based): chr1:94,014,590, T>C on the plus strand (A>G on the coding strand, the complement: ABCA4 is on the minus strand). VCF-style: chr1-94014590-T-C. GRCh37 (hg19) VCF-style: chr1-94480146-T-C.
Other names: c.5191A>G, p.Asn1731Asp (NM_001425324.1); short protein forms N1805D, N1731D.
Identifiers: ClinVar variation 99373 (VCV000099373.64), dbSNP rs61753029, ClinGen allele CA227306.

ClinVar aggregate classification (germline): Pathogenic/Likely pathogenic. Review status: criteria provided, multiple submitters, no conflicts (2 of 4 stars). 11 submissions from 11 submitters: Pathogenic (5); Likely pathogenic (4). 2 of the submissions do not count toward it. Last evaluated 2026-06-20.

Conditions:
ABCA4-related disorder. Also called: ABCA4-related condition; ABCA4-related disorders. Identifiers: MedGen CN239167.
Retinal dystrophy. Also called: Inherited retinal dystrophy. Identifiers: Orphanet 71862, MedGen C0854723, MeSH D058499, MONDO:0019118, HP:0000556.
Retinitis pigmentosa (RP). Identifiers: Orphanet 791, MedGen C0035334, MeSH D012174, MONDO:0019200, OMIM 268000. Inheritance: Autosomal dominant, autosomal recessive and X linked inheritance.
Age related macular degeneration 2. Also called: MACULAR DEGENERATION, SENILE; MACULOPATHY, AGE-RELATED, 2; MACULOPATHY, AGE-RELATED. Identifiers: MedGen C3495438, MONDO:0007932, OMIM 153800.
Severe early-childhood-onset retinal dystrophy (STGD1). Also called: MACULAR DYSTROPHY WITH FLECKS, TYPE 1; STGD; Stargardt macular dystrophy; Juvenile onset macular degeneration; Stargardt disease 1. Identifiers: Orphanet 364055, Orphanet 827, MedGen C1855465, MeSH D000080362, MONDO:0009549, OMIM 248200.

Allele frequency attached by ClinVar (database versions not stated): TOPMed below 0.00001; gnomAD exomes 0.00001 and 0.00003; ExAC 0.00002; gnomAD 0.00003.
gnomAD v4.1: 15 of 1,614,214 alleles (0.00093%); highest among the groups gnomAD compares: Admixed American, 0.0083%; no homozygotes.

Submissions (11):

PreventionGenetics, part of Exact Sciences
Classification: Pathogenic for ABCA4-related condition. Last evaluated: 2026-06-20. Review status: criteria provided, single submitter. Criteria: ACMG Guidelines, 2015. Collection method: clinical testing. Allele origin: germline.
Comment: The ABCA4 c.5413A>G variant is predicted to result in the amino acid substitution p.Asn1805Asp. This variant was reported, in the homozygous state or in the heterozygous state with a second potentially causative variant, in individuals with Stargardt disease (see, for example, Paloma et al. 2001. PubMed ID: 11385708; Riveiro-Alvarez et al. 2008. PubMed ID: 18334942; supplementary data, Weisschuh et al. 2020. PubMed ID: 32531858; supplementary data, Del Pozo-Valero et al. 2020. PubMed ID: 32619608; supplementary data, Cornelis et al. 2022. PubMed ID: 35120629; supplementary data, Maltese et al. 2022. PubMed ID: 35836572; supplementary data, Schlottmann et al. 2023. PubMed ID: 37217489; supplementary data, Bianco et al. 2023. PubMed ID: 37498587; Areblom et al. 2023. PubMed ID: 37510321; supplementary data, Lin et al. 2024. PubMed ID: 38219857). This variant is reported in 0.0056% of alleles in individuals of Latino descent in gnomAD. This variant is interpreted as pathogenic.

Labcorp Genetics (formerly Invitae), Labcorp
Classification: Pathogenic. Last evaluated: 2026-01-24. Review status: criteria provided, single submitter. Criteria: Invitae Variant Classification Sherloc (09022015). Collection method: clinical testing. Allele origin: germline.
Comment: This sequence change replaces asparagine, which is neutral and polar, with aspartic acid, which is acidic and polar, at codon 1805 of the ABCA4 protein (p.Asn1805Asp). This variant is present in population databases (rs61753029, gnomAD 0.006%). This missense change has been observed in individual(s) with retinal disease (PMID: 18334942, 19243736; internal data). In at least one individual the data is consistent with being in trans (on the opposite chromosome) from a pathogenic variant. ClinVar contains an entry for this variant (Variation ID: 99373). Invitae Evidence Modeling of protein sequence and biophysical properties (such as structural, functional, and spatial information, amino acid conservation, physicochemical variation, residue mobility, and thermodynamic stability) indicates that this missense variant is expected to disrupt ABCA4 protein function with a positive predictive value of 95%. For these reasons, this variant has been classified as Pathogenic.

GeneDx
Classification: Likely pathogenic. Last evaluated: 2025-04-15. Review status: criteria provided, single submitter. Criteria: GeneDx Variant Classification Process June 2021. Collection method: clinical testing. Allele origin: germline. Affected: yes.
Comment: In silico analysis supports that this missense variant has a deleterious effect on protein structure/function; This variant is associated with the following publications: (PMID: 12442277, 18334942, 23379534, 25342620, 11385708, 19243736, 33375396, 36460718, 31573552, 32619608, 35119454, 31964843, 33546218, 35156991, 31799409, 33185728, 23755871, 35836572, 32531858, 37510321, Saleh2021[Case report], 35120629, 37498587, 38219857, 37217489, 37734845, 39162841)

Blueprint Genetics
Classification: Pathogenic for ABCA4-related disorders. Last evaluated: 2024-10-09. Review status: criteria provided, single submitter. Criteria: ACMG Guidelines, 2015. Collection method: clinical testing. Allele origin: germline. Affected: yes. Observed: 5 variant alleles.

Women's Health and Genetics/Laboratory Corporation of America, LabCorp
Classification: Pathogenic for Retinitis pigmentosa. Last evaluated: 2024-08-16. Review status: criteria provided, single submitter. Criteria: LabCorp Variant Classification Summary - May 2015. Collection method: clinical testing. Allele origin: germline.
Comment: Variant summary: ABCA4 c.5413A>G (p.Asn1805Asp) results in a conservative amino acid change located in the ABC-2 type transporter, transmembrane domain (IPR013525) of the encoded protein sequence. Four of five in-silico tools predict a damaging effect of the variant on protein function. The variant allele was found at a frequency of 3.2e-05 in 251476 control chromosomes. c.5413A>G has been reported in the literature in multiple homozygous and compound heterozygous individuals affected with Retinitis Pigmentosa or Stargardt disease (Maltese_2022, Paloma_2001, Riveiro-Alvarez_2013, Weisschuh_2020) . These data indicate that the variant is very likely to be associated with disease. To our knowledge, no experimental evidence demonstrating an impact on protein function has been reported. The following publications have been ascertained in the context of this evaluation (PMID: 35836572, 11385708, 23755871, 32531858). ClinVar contains an entry for this variant (Variation ID: 99373). Based on the evidence outlined above, the variant was classified as pathogenic.

Institute of Medical Molecular Genetics, University of Zurich
Classification: Likely pathogenic for Severe early-childhood-onset retinal dystrophy. Last evaluated: 2021-01-30. Review status: criteria provided, single submitter. Criteria: ACMG Guidelines, 2015. Collection method: clinical testing. Allele origin: unknown. Affected: yes.

Institute of Human Genetics, Univ. Regensburg, Univ. Regensburg
Classification: Likely pathogenic for Retinal dystrophy. Last evaluated: 2020-01-01. Review status: criteria provided, single submitter. Criteria: ACMG Guidelines, 2015. Collection method: clinical testing. Allele origin: germline. Affected: yes.

Centre for Mendelian Genomics, University Medical Centre Ljubljana
Classification: Likely pathogenic for Age related macular degeneration 2. Last evaluated: 2019-04-06. Review status: criteria provided, single submitter. Criteria: ACMG Guidelines, 2015. Collection method: clinical testing. Allele origin: unknown. Affected: yes.
Comment: This variant was classified as: Likely pathogenic. The following ACMG criteria were applied in classifying this variant: PS1,PM1,PM2,PP3.

CeGaT Center for Human Genetics Tuebingen
Classification: Pathogenic. Last evaluated: 2017-11-01. Review status: criteria provided, single submitter. Criteria: CeGaT Center For Human Genetics Tuebingen Variant Classification Criteria Version 2. Collection method: clinical testing. Allele origin: germline. Affected: yes. Observed: 3 variant alleles.

Ophthalmo-Genetics Lab, Instituto de Oftalmologia Conde de Valenciana
Classification: Pathogenic for Severe early-childhood-onset retinal dystrophy. Review status: no assertion criteria provided. Collection method: research. Allele origin: germline. Inheritance: Autosomal recessive inheritance. Affected: yes. Not counted in ClinVar's aggregate classification.

Retina International
No classification provided. Review status: no classification provided. Collection method: not provided. Allele origin: not provided. Not counted in ClinVar's aggregate classification.

Literature cited by the submitters: PubMed 18334942 (cited by 3 submitters); PubMed 19243736 (cited by Labcorp Genetics (formerly Invitae), Labcorp); PubMed 32531858 (cited by Women's Health and Genetics/Laboratory Corporation of America, LabCorp and Institute of Human Genetics, Univ. Regensburg, Univ. Regensburg); PubMed 35836572 (cited by Women's Health and Genetics/Laboratory Corporation of America, LabCorp and Institute of Human Genetics, Univ. Regensburg, Univ. Regensburg); PubMed 23755871 (cited by Women's Health and Genetics/Laboratory Corporation of America, LabCorp); PubMed 11385708 (cited by Women's Health and Genetics/Laboratory Corporation of America, LabCorp and Institute of Human Genetics, Univ. Regensburg, Univ. Regensburg); PubMed 31573552 (cited by Institute of Human Genetics, Univ. Regensburg, Univ. Regensburg); PubMed 32619608 (cited by Institute of Human Genetics, Univ. Regensburg, Univ. Regensburg); PubMed 33375396 (cited by Institute of Human Genetics, Univ. Regensburg, Univ. Regensburg); PubMed 31964843 (cited by Institute of Human Genetics, Univ. Regensburg, Univ. Regensburg); PubMed 35119454 (cited by Institute of Human Genetics, Univ. Regensburg, Univ. Regensburg); PubMed 36460718 (cited by Institute of Human Genetics, Univ. Regensburg, Univ. Regensburg).